The following is an entry in ClinVar:

NM_000222.3(KIT):c.449G>A (p.Gly150Glu)

Gene: KIT (KIT proto-oncogene, receptor tyrosine kinase; plus strand). Cytogenetic location: 4q12.
Variant type: single nucleotide variant.
Coding change: c.449G>A on transcript NM_000222.3 (MANE Select); coding-DNA position 449, G replaced by A.
Protein change: p.Gly150Glu; replaces glycine 150 with glutamic acid.
Molecular consequence: missense variant.
Genome position (GRCh38, 1-based): chr4:54,698,395, G>A. VCF-style: chr4-54698395-G-A. GRCh37 (hg19) VCF-style: chr4-55564561-G-A.
Other names: c.449G>A, p.Gly150Glu (NM_001093772.2, NM_001385284.1, NM_001385285.1 and 4 more transcripts); short protein forms G150E.
Identifiers: ClinVar variation 3864532 (VCV003864532.1).
Genomic context (GRCh38, chr4:54,698,395, plus strand): 5'-ACGACACGCTGGTCCGCTGTCCTCTCACAGACCCAGAAGTGACCAATTATTCCCTCAAGG[G>A]GTGCCAGGGGAAGCCTCTTCCCAAGGACTTGAGGTTTATTCCTGACCCCAAGGCGGGCAT-3'
Protein context (NP_000213.1, residues 140-160): DPEVTNYSLK[Gly150Glu]CQGKPLPKDL

ClinVar aggregate classification (germline): Uncertain significance (1 of 4 stars; one submission).

Conditions:
Hereditary cancer-predisposing syndrome. Also called: Hereditary neoplastic syndrome; Neoplastic Syndromes, Hereditary; Tumor predisposition; Hereditary Cancer Syndrome. Identifiers: Orphanet 140162, MedGen C0027672, MeSH D009386, MONDO:0015356.

Submission:

Ambry Genetics
Classification: Uncertain significance for Hereditary cancer-predisposing syndrome. Last evaluated: 2025-01-06. Review status: criteria provided, single submitter. Criteria: Ambry Variant Classification Scheme 2023. Collection method: clinical testing. Allele origin: germline.
Comment: The p.G150E variant (also known as c.449G>A), located in coding exon 3 of the KIT gene, results from a G to A substitution at nucleotide position 449. The glycine at codon 150 is replaced by glutamic acid, an amino acid with similar properties. This amino acid position is conserved. In addition, this alteration is predicted to be tolerated by in silico analysis. Based on the available evidence, the clinical significance of this variant remains unclear.